The following is an entry in ClinVar:

NM_152657.4(GGN):c.593C>T (p.Pro198Leu)

Gene: GGN (gametogenetin; minus strand). Cytogenetic location: 19q13.2.
Variant type: single nucleotide variant.
Coding change: c.593C>T on transcript NM_152657.4 (MANE Select); coding-DNA position 593, C replaced by T.
Protein change: p.Pro198Leu; replaces proline 198 with leucine.
Molecular consequence: missense variant.
Genome position (GRCh38, 1-based): chr19:38,386,669, G>A on the plus strand (C>T on the coding strand, the complement: GGN is on the minus strand). VCF-style: chr19-38386669-G-A. GRCh37 (hg19) VCF-style: chr19-38877309-G-A.
Other names: short protein forms P198L.
Identifiers: ClinVar variation 775410 (VCV000775410.29), dbSNP rs183879202, ClinGen allele CA9414326.

ClinVar aggregate classification (germline): Benign/Likely benign. Review status: criteria provided, multiple submitters, no conflicts (2 of 4 stars). 3 submissions from 3 submitters: Benign (2); Likely benign (1). Last evaluated 2024-08-01.

Allele frequency attached by ClinVar (database versions not stated): TOPMed 0.00498; ESP Exome Variant Server 0.00519; 1000 Genomes Project 0.00539; 1000 Genomes Project 30x 0.00578; gnomAD 0.00777 and 0.00792; gnomAD exomes 0.00873 and 0.00903; ExAC 0.00890.
gnomAD v4.1: 14,240 of 1,610,952 alleles (0.88%); highest among the groups gnomAD compares: Non-Finnish European, 0.9%; 101 homozygotes.

Submissions (3):

CeGaT Center for Human Genetics Tuebingen
Classification: Likely benign. Last evaluated: 2024-08-01. Review status: criteria provided, single submitter. Criteria: CeGaT Center For Human Genetics Tuebingen Variant Classification Criteria Version 2. Collection method: clinical testing. Allele origin: germline. Affected: yes. Observed: 3 variant alleles.
Comment: GGN: BP4, BS2

Labcorp Genetics (formerly Invitae), Labcorp
Classification: Benign. Last evaluated: 2019-12-31. Review status: criteria provided, single submitter. Criteria: Invitae Variant Classification Sherloc (09022015). Collection method: clinical testing. Allele origin: germline.

Breakthrough Genomics
Classification: Benign. Review status: criteria provided, single submitter. Criteria: ACMG Guidelines, 2015. Collection method: not provided. Allele origin: germline. Inheritance: Autosomal recessive inheritance. Affected: yes.